The following is an entry in ClinVar:

ClinVar aggregate classification (germline): Uncertain significance (1 of 4 stars; one submission).

Conditions:
Familial cancer of breast. Also called: Hereditary breast cancer; hereditary breast carcinoma; BREAST CANCER, FAMILIAL. Identifiers: Orphanet 227535, MedGen C0346153, MONDO:0016419, OMIM 114480. Disease mechanism: loss of function.

gnomAD v4.1: 1 of 1,614,124 alleles (0.000062%); highest among the groups gnomAD compares: South Asian, 0.0011%; no homozygotes.

Submission:

Labcorp Genetics (formerly Invitae), Labcorp
Classification: Uncertain significance for Familial cancer of breast. Last evaluated: 2024-07-02. Review status: criteria provided, single submitter. Criteria: Invitae Variant Classification Sherloc (09022015). Collection method: clinical testing. Allele origin: germline.
Comment: This sequence change replaces methionine, which is neutral and non-polar, with threonine, which is neutral and polar, at codon 668 of the PALB2 protein (p.Met668Thr). This variant is not present in population databases (gnomAD no frequency). This variant has not been reported in the literature in individuals affected with PALB2-related conditions. Advanced modeling of protein sequence and biophysical properties (such as structural, functional, and spatial information, amino acid conservation, physicochemical variation, residue mobility, and thermodynamic stability) performed at Invitae indicates that this missense variant is not expected to disrupt PALB2 protein function with a negative predictive value of 80%. In summary, the available evidence is currently insufficient to determine the role of this variant in disease. Therefore, it has been classified as a Variant of Uncertain Significance.

NM_024675.4(PALB2):c.2003T>C (p.Met668Thr)

Gene: PALB2 (partner and localizer of BRCA2; minus strand). Cytogenetic location: 16p12.2.
Variant type: single nucleotide variant.
Coding change: c.2003T>C on transcript NM_024675.4 (MANE Select); coding-DNA position 2003, T replaced by C.
Protein change: p.Met668Thr; replaces methionine 668 with threonine.
Molecular consequence: missense variant. On other transcripts: intron variant (1).
Genome position (GRCh38, 1-based): chr16:23,630,151, A>G on the plus strand (T>C on the coding strand, the complement: PALB2 is on the minus strand). VCF-style: chr16-23630151-A-G. GRCh37 (hg19) VCF-style: chr16-23641472-A-G.
Other names: c.1943T>C, p.Met648Thr (NM_001407296.1); c.2003T>C, p.Met668Thr (NM_001407297.1, NM_001407298.1, NM_001407299.1 and 3 more transcripts); c.1118T>C, p.Met373Thr (NM_001407304.1, NM_001407305.1, NM_001407306.1 and 5 more transcripts); c.215T>C, p.Met72Thr (NM_001407312.1, NM_001407313.1); c.49-876T>C (NM_001407314.1); short protein forms M373T, M668T, M72T, M648T.
Identifiers: ClinVar variation 3658522 (VCV003658522.2).